The following is an entry in ClinVar:

NM_003738.5(PTCH2):c.456-1G>T

Gene: PTCH2 (patched 2; minus strand). Cytogenetic location: 1p34.1.
Variant type: single nucleotide variant.
Coding change: c.456-1G>T on transcript NM_003738.5 (MANE Select); the canonical splice acceptor site of the intron before coding-DNA position 456, G replaced by T.
Molecular consequence: splice acceptor variant.
Genome position (GRCh38, 1-based): chr1:44,832,045, C>A on the plus strand (G>T on the coding strand, the complement: PTCH2 is on the minus strand). VCF-style: chr1-44832045-C-A. GRCh37 (hg19) VCF-style: chr1-45297717-C-A.
Other names: c.456-1G>T (NM_001166292.2).
Identifiers: ClinVar variation 2066107 (VCV002066107.4), dbSNP rs2522009061, ClinGen allele CA340108636.

ClinVar aggregate classification (germline): Uncertain significance (1 of 4 stars; one submission).

Conditions:
Gorlin syndrome. Also called: Basal cell nevus syndrome; Nevoid Basal Cell Carcinoma Syndrome. Identifiers: Orphanet 377, MedGen C0004779, MONDO:0007187.

Submission:

Labcorp Genetics (formerly Invitae), Labcorp
Classification: Uncertain significance for Gorlin syndrome. Last evaluated: 2022-06-08. Review status: criteria provided, single submitter. Criteria: Invitae Variant Classification Sherloc (09022015). Collection method: clinical testing. Allele origin: germline.
Comment: This sequence change affects an acceptor splice site in intron 3 of the PTCH2 gene. It is expected to disrupt RNA splicing. Variants that disrupt the donor or acceptor splice site typically lead to a loss of protein function (PMID: 16199547), however the current clinical and genetic evidence is not sufficient to establish whether loss-of-function variants in PTCH2 cause disease. This variant is not present in population databases (gnomAD no frequency). In summary, the available evidence is currently insufficient to determine the role of this variant in disease. Therefore, it has been classified as a Variant of Uncertain Significance. Algorithms developed to predict the effect of sequence changes on RNA splicing suggest that this variant may disrupt the consensus splice site. This variant has not been reported in the literature in individuals affected with PTCH2-related conditions.

Literature cited by the submitters: PubMed 16199547.